The following is an entry in ClinVar:

NM_015378.4(VPS13D):c.4761A>T (p.Glu1587Asp)

Gene: VPS13D (vacuolar protein sorting 13 homolog D; plus strand). Cytogenetic location: 1p36.22.
Variant type: single nucleotide variant.
Coding change: c.4761A>T on transcript NM_015378.4 (MANE Select); coding-DNA position 4761, A replaced by T.
Protein change: p.Glu1587Asp; replaces glutamic acid 1587 with aspartic acid.
Molecular consequence: missense variant.
Genome position (GRCh38, 1-based): chr1:12,282,863, A>T. VCF-style: chr1-12282863-A-T. GRCh37 (hg19) VCF-style: chr1-12342920-A-T.
Other names: c.4761A>T, p.Glu1587Asp (NM_018156.4); c.4761A>T (NM_015378.2); short protein forms E1587D.
Identifiers: ClinVar variation 1936138 (VCV001936138.6), dbSNP rs776980241, ClinGen allele CA602212.
Genomic context (GRCh38, chr1:12,282,863, plus strand): 5'-CTCCCCTTGCCCTGATTCTCCTCTGCCTCCCCTCAGTACCTGTGGAGAATCTTCTGTTGA[A>T]AGGAAGGAGAATGGATTGTTCAGCCACTCCAGCCTTTCTAACACCTCTCAGAAGTCATTG-3'
Protein context (NP_056193.2, residues 1577-1597): PLSTCGESSV[Glu1587Asp]RKENGLFSHS

ClinVar aggregate classification (germline): Uncertain significance. Review status: criteria provided, multiple submitters, no conflicts (2 of 4 stars). 2 submissions from 2 submitters: Uncertain significance (2). Last evaluated 2024-07-03.

Conditions:
Inborn genetic diseases. Identifiers: MedGen C0950123, MeSH D030342.

Allele frequency attached by ClinVar (database versions not stated): gnomAD exomes below 0.00001; ExAC 0.00001; TOPMed 0.00002.
gnomAD v4.1: 3 of 1,614,096 alleles (0.00019%); highest among the groups gnomAD compares: African/African-American, 0.004%; no homozygotes.

Submissions (2):

Ambry Genetics
Classification: Uncertain significance for Inborn genetic diseases. Last evaluated: 2024-07-03. Review status: criteria provided, single submitter. Criteria: Ambry Variant Classification Scheme 2023. Collection method: clinical testing. Allele origin: germline.

Labcorp Genetics (formerly Invitae), Labcorp
Classification: Uncertain significance. Last evaluated: 2022-07-13. Review status: criteria provided, single submitter. Criteria: Invitae Variant Classification Sherloc (09022015). Collection method: clinical testing. Allele origin: germline.
Comment: This sequence change replaces glutamic acid, which is acidic and polar, with aspartic acid, which is acidic and polar, at codon 1587 of the VPS13D protein (p.Glu1587Asp). This variant is present in population databases (rs776980241, gnomAD 0.007%). This variant has not been reported in the literature in individuals affected with VPS13D-related conditions. Algorithms developed to predict the effect of missense changes on protein structure and function output the following: SIFT: "Not Available"; PolyPhen-2: "Benign"; Align-GVGD: "Not Available". The aspartic acid amino acid residue is found in multiple mammalian species, which suggests that this missense change does not adversely affect protein function. In summary, the available evidence is currently insufficient to determine the role of this variant in disease. Therefore, it has been classified as a Variant of Uncertain Significance.